The following is an entry in ClinVar:

NM_014727.3(KMT2B):c.1693C>T (p.Pro565Ser)

Gene: KMT2B (lysine methyltransferase 2B; plus strand). Cytogenetic location: 19q13.12.
Variant type: single nucleotide variant.
Coding change: c.1693C>T on transcript NM_014727.3 (MANE Select); coding-DNA position 1693, C replaced by T.
Protein change: p.Pro565Ser; replaces proline 565 with serine.
Molecular consequence: missense variant.
Genome position (GRCh38, 1-based): chr19:35,721,040, C>T. VCF-style: chr19-35721040-C-T. GRCh37 (hg19) VCF-style: chr19-36211942-C-T.
Other names: c.1693C>T (NM_014727.2); short protein forms P565S.
Identifiers: ClinVar variation 1969052 (VCV001969052.6), dbSNP rs1412784172, ClinGen allele CA405393121.
Genomic context (GRCh38, chr19:35,721,040, plus strand): 5'-CGATTTATGGATGAAGACCCCCCCAAACCCCCAAAGGTGGAGGTCTCACCTGTCCTGCGA[C>T]CTCCCATTACCACCTCCCCACCTGTTCCCCAGGAGCCAGCACCAGTCCCCTCTCCACCAC-3'
Protein context (NP_055542.1, residues 555-575): PKVEVSPVLR[Pro565Ser]PITTSPPVPQ

ClinVar aggregate classification (germline): Conflicting classifications of pathogenicity. Review status: criteria provided, conflicting classifications (1 of 4 stars). 2 submissions from 2 submitters: Uncertain significance (1); Likely benign (1). Last evaluated 2023-05-10.

Allele frequency attached by ClinVar (database versions not stated): gnomAD exomes below 0.00001.
gnomAD v4.1: 2 of 1,609,008 alleles (0.00012%); highest among the groups gnomAD compares: Admixed American, 0.0017%; no homozygotes.

Submissions (2):

GeneDx
Classification: Uncertain significance. Last evaluated: 2023-05-10. Review status: criteria provided, single submitter. Criteria: GeneDx Variant Classification Process June 2021. Collection method: clinical testing. Allele origin: germline. Affected: yes.
Comment: Not observed at significant frequency in large population cohorts (gnomAD); In silico analysis supports that this missense variant does not alter protein structure/function; Has not been previously published as pathogenic or benign to our knowledge

Labcorp Genetics (formerly Invitae), Labcorp
Classification: Likely benign. Last evaluated: 2022-10-13. Review status: criteria provided, single submitter. Criteria: Invitae Variant Classification Sherloc (09022015). Collection method: clinical testing. Allele origin: germline.